The following is an entry in ClinVar:

NM_001008212.2(OPTN):c.754G>C (p.Val252Leu)

Gene: OPTN (optineurin; plus strand). Cytogenetic location: 10p13.
Variant type: single nucleotide variant.
Coding change: c.754G>C on transcript NM_001008212.2 (MANE Select); coding-DNA position 754, G replaced by C.
Protein change: p.Val252Leu; replaces valine 252 with leucine.
Molecular consequence: missense variant.
Genome position (GRCh38, 1-based): chr10:13,119,015, G>C. VCF-style: chr10-13119015-G-C. GRCh37 (hg19) VCF-style: chr10-13161015-G-C.
Other names: c.754G>C, p.Val252Leu (NM_001008211.1, NM_001008213.1, NM_021980.4); short protein forms V252L.
Identifiers: ClinVar variation 962957 (VCV000962957.10), dbSNP rs760339006, ClinGen allele CA5410729.
Genomic context (GRCh38, chr10:13,119,015, plus strand): 5'-ACTGTGAGCCAGCTCCTGCTGTGCCTAAGGGAAGGGAATCAGAAGGTGGAGAGACTTGAA[G>C]TTGCACTCAAGGAGGCCAAAGAAAGGTATGAAATAGGTTAACTTGAAATATGTGTTTTTT-3'
Protein context (NP_001008213.1, residues 242-262): EGNQKVERLE[Val252Leu]ALKEAKERVS

ClinVar aggregate classification (germline): Uncertain significance (1 of 4 stars; one submission).

Conditions:
Glaucoma 1, open angle, E. Identifiers: MedGen C1842026, MONDO:0007665.
Primary open angle glaucoma (POAG). Also called: OPTN-related open angle glaucoma. Identifiers: MedGen C0339573, MONDO:0100553, OMIM 137760.
Amyotrophic lateral sclerosis type 12 (ALS12). Also called: AMYOTROPHIC LATERAL SCLEROSIS 12 WITH OR WITHOUT FRONTOTEMPORAL DEMENTIA. Identifiers: Orphanet 803, MedGen C3150692, MONDO:0013264, OMIM 613435.

Allele frequency attached by ClinVar (database versions not stated): gnomAD exomes 0.00001; ExAC 0.00003.

Submission:

Labcorp Genetics (formerly Invitae), Labcorp
Classification: Uncertain significance for Primary open angle glaucoma; Glaucoma 1, open angle, E; Amyotrophic lateral sclerosis type 12. Last evaluated: 2022-07-06. Review status: criteria provided, single submitter. Criteria: Invitae Variant Classification Sherloc (09022015). Collection method: clinical testing. Allele origin: germline.
Comment: In summary, the available evidence is currently insufficient to determine the role of this variant in disease. Therefore, it has been classified as a Variant of Uncertain Significance. Algorithms developed to predict the effect of missense changes on protein structure and function output the following: SIFT: "Tolerated"; PolyPhen-2: "Benign"; Align-GVGD: "Class C0". The leucine amino acid residue is found in multiple mammalian species, which suggests that this missense change does not adversely affect protein function. ClinVar contains an entry for this variant (Variation ID: 962957). This variant has not been reported in the literature in individuals affected with OPTN-related conditions. This variant is present in population databases (rs760339006, gnomAD 0.004%). This sequence change replaces valine, which is neutral and non-polar, with leucine, which is neutral and non-polar, at codon 252 of the OPTN protein (p.Val252Leu).